The following is an entry in ClinVar:

ClinVar aggregate classification (germline): Benign. Review status: criteria provided, multiple submitters, no conflicts (2 of 4 stars). 3 submissions from 3 submitters: Benign (3). Last evaluated 2024-01-24.

Allele frequency attached by ClinVar (database versions not stated): 1000 Genomes Project 30x 0.11852; 1000 Genomes Project 0.12021; TOPMed 0.16357; gnomAD 0.16734 and 0.17097; gnomAD exomes 0.18407.
gnomAD v4.1: 281,334 of 1,544,108 alleles (18%); highest among the groups gnomAD compares: Non-Finnish European, 20%; 26,941 homozygotes.

Submissions (3):

Unidad de Genómica Garrahan, Hospital de Pediatría Garrahan
Classification: Benign. Last evaluated: 2024-01-24. Review status: criteria provided, single submitter. Criteria: ACMG Guidelines, 2015. Collection method: clinical testing. Allele origin: germline. Affected: no. Observed: 32 variant alleles.
Comment: This variant is classified as Benign based on local population frequency. This variant was detected in 34% of patients studied by a panel of primary immunodeficiencies. Number of patients: 32. Only high quality variants are reported.

GeneDx
Classification: Benign. Last evaluated: 2018-07-09. Review status: criteria provided, single submitter. Criteria: GeneDx Variant Classification Process June 2021. Collection method: clinical testing. Allele origin: germline. Affected: yes.

Breakthrough Genomics
Classification: Benign. Review status: criteria provided, single submitter. Criteria: ACMG Guidelines, 2015. Collection method: not provided. Allele origin: germline. Inheritance: Autosomal recessive inheritance. Affected: yes.

NM_020458.4(TTC7A):c.2018-62C>T

Gene: TTC7A (tetratricopeptide repeat domain 7A; plus strand). Cytogenetic location: 2p21.
Variant type: single nucleotide variant.
Coding change: c.2018-62C>T on transcript NM_020458.4 (MANE Select); 62 bases into the intron before coding-DNA position 2018, C replaced by T.
Molecular consequence: intron variant.
Genome position (GRCh38, 1-based): chr2:47,051,684, C>T. VCF-style: chr2-47051684-C-T. GRCh37 (hg19) VCF-style: chr2-47278823-C-T.
Other names: c.1916-62C>T (NM_001288953.2); c.2090-62C>T (NM_001288951.2); c.956-62C>T (NM_001288955.2).
Identifiers: ClinVar variation 1274215 (VCV001274215.4), dbSNP rs17482356, ClinGen allele CA11114536.
Genomic context (GRCh38, chr2:47,051,684, plus strand): 5'-GCACCACCCTACCCTGATTCAGGGTGCCCTGTCTCCCCATGGTGCTGGGCAATGACTGCT[C>T]CTGGGGCCTGCAACGTGTGGACCTCTGACCACTGCTCGGCTCGTGCCCTCTTGCTCTGCA-3'